The following is an entry in ClinVar:

ClinVar aggregate classification (germline): Uncertain significance (1 of 4 stars; one submission).

gnomAD v4.1: 6 of 1,173,312 alleles (0.00051%); highest among the groups gnomAD compares: African/African-American, 0.0018%; no homozygotes.

Submission:

Women's Health and Genetics/Laboratory Corporation of America, LabCorp
Classification: Uncertain significance. Last evaluated: 2024-05-13. Review status: criteria provided, single submitter. Criteria: LabCorp Variant Classification Summary - May 2015. Collection method: clinical testing. Allele origin: germline.
Comment: Variant summary: CCDC22 c.701G>A (p.Arg234His) results in a non-conservative amino acid change located in the CCDC22, coiled-coil domain (IPR048348) of the encoded protein sequence. Three of five in-silico tools predict a damaging effect of the variant on protein function. The frequency data for this variant in gnomAD is considered unreliable, as metrics indicate poor data quality at this position. To our knowledge, no occurrence of c.701G>A in individuals affected with Ritscher-Schinzel Syndrome 2 and no experimental evidence demonstrating its impact on protein function have been reported. No submitters have cited clinical-significance assessments for this variant to ClinVar. Based on the evidence outlined above, the variant was classified as uncertain significance.

NM_014008.5(CCDC22):c.701G>A (p.Arg234His)

Gene: CCDC22 (coiled-coil domain containing 22; plus strand). Cytogenetic location: Xp11.23.
Variant type: single nucleotide variant.
Coding change: c.701G>A on transcript NM_014008.5 (MANE Select); coding-DNA position 701, G replaced by A.
Protein change: p.Arg234His; replaces arginine 234 with histidine.
Molecular consequence: missense variant.
Genome position (GRCh38, 1-based): chrX:49,243,449, G>A. VCF-style: chrX-49243449-G-A. GRCh37 (hg19) VCF-style: chrX-49099915-G-A.
Other names: short protein forms R234H.
Identifiers: ClinVar variation 3336011 (VCV003336011.1).